The following is an entry in ClinVar:

ClinVar aggregate classification (germline): Likely benign (1 of 4 stars; one submission).

Submission:

CeGaT Center for Human Genetics Tuebingen
Classification: Likely benign. Last evaluated: 2022-12-01. Review status: criteria provided, single submitter. Criteria: CeGaT Center For Human Genetics Tuebingen Variant Classification Criteria Version 2. Collection method: clinical testing. Allele origin: germline. Affected: yes. Observed: 1 variant allele.
Comment: SETD1A: BP4, BP7

NM_014712.3(SETD1A):c.3159G>T (p.Ser1053=)

Gene: SETD1A (SET domain containing 1A, histone lysine methyltransferase; plus strand). Cytogenetic location: 16p11.2.
Variant type: single nucleotide variant.
Coding change: c.3159G>T on transcript NM_014712.3 (MANE Select); coding-DNA position 3159, G replaced by T.
Protein change: p.Ser1053=; no amino-acid change (serine 1053 retained).
Molecular consequence: synonymous variant.
Genome position (GRCh38, 1-based): chr16:30,971,520, G>T. VCF-style: chr16-30971520-G-T. GRCh37 (hg19) VCF-style: chr16-30982841-G-T.
Identifiers: ClinVar variation 2646445 (VCV002646445.24), dbSNP rs754761831, ClinGen allele CA494918530.
Genomic context (GRCh38, chr16:30,971,520, plus strand): 5'-CGAGAGCAGCAGCTCTTCCAGCTCCTCATCCTCCTCCTCCTCCTCGTCCTCATCCTCCTC[G>T]TCCTCTTCATCCTCTGAGTCCTCCTCTGAAGATGAAGAGGAAGAGGAGCGGCCAGCAGCC-3'
Protein context (NP_055527.1, residues 1043-1063): SSSSSSSSSS[Ser1053=]SSSSSESSSE